The following is an entry in ClinVar:

NM_004186.5(SEMA3F):c.2071C>T (p.Arg691Ter)

Gene: SEMA3F (semaphorin 3F; plus strand). Cytogenetic location: 3p21.31.
Variant type: single nucleotide variant.
Coding change: c.2071C>T on transcript NM_004186.5 (MANE Select); coding-DNA position 2071, C replaced by T.
Protein change: p.Arg691Ter; replaces arginine 691 with a stop codon.
Molecular consequence: nonsense.
Genome position (GRCh38, 1-based): chr3:50,187,828, C>T. VCF-style: chr3-50187828-C-T. GRCh37 (hg19) VCF-style: chr3-50225261-C-T.
Other names: c.1774C>T, p.Arg592Ter (NM_001318798.2); c.1978C>T, p.Arg660Ter (NM_001318800.2); short protein forms R660*, R691*, R592*.
Identifiers: ClinVar variation 4980059 (VCV004980059.1).

ClinVar aggregate classification (germline): Uncertain significance (1 of 4 stars; one submission).

Conditions:
SEMA3F-related disorder. Also called: SEMA3F-related condition.

Submission:

PreventionGenetics, part of Exact Sciences
Classification: Uncertain significance for SEMA3F-related condition. Last evaluated: 2025-09-10. Review status: criteria provided, single submitter. Criteria: ACMG Guidelines, 2015. Collection method: clinical testing. Allele origin: germline.
Comment: The SEMA3F c.2071C>T variant is predicted to result in premature protein termination (p.Arg691*). This variant is located in the last exon of SEMA3F and is not expected to undergo nonsense mediated decay. To our knowledge, this variant has not been reported in the literature. This variant is reported in 0.00088% of alleles in individuals of European (Non-Finnish) descent in gnomAD. At this time, the clinical significance of this variant is uncertain due to the absence of conclusive functional and genetic evidence.